The following is an entry in ClinVar:

ClinVar aggregate classification (germline): Conflicting classifications of pathogenicity. Review status: criteria provided, conflicting classifications (1 of 4 stars). 9 submissions from 9 submitters: Uncertain significance (1); Benign (2); Likely benign (6). Last evaluated 2026-01-20.

Conditions:
Kidney disorder. Also called: renal disorder; Nephropathy; renal disease; Kidney disease; Kidney Diseases. Identifiers: MedGen C0022658, MONDO:0005240, HP:0000112.
Nephronophthisis. Also called: Juvenile Nephronophthisis. Identifiers: Orphanet 655, MedGen C0687120, MONDO:0019005, HP:0000090.
NPHP3-related Meckel-like syndrome. Also called: GOLDSTON SYNDROME; Meckel syndrome type 7. Identifiers: Orphanet 3032, MedGen C2673885, MONDO:0009966, OMIM 267010.
Renal-hepatic-pancreatic dysplasia 1 (RHPD1). Identifiers: MedGen C3715199, MONDO:0008833, OMIM 208540.
Nephronophthisis 3 (NPHP3). Also called: Adolescent nephronophthisis. Identifiers: Orphanet 655, MedGen C1858392, MONDO:0011456, OMIM 604387.

Allele frequency attached by ClinVar (database versions not stated): gnomAD exomes 0.00017 and 0.00033; ExAC 0.00042; ESP Exome Variant Server 0.00108; gnomAD 0.00120 and 0.00121; TOPMed 0.00150; 1000 Genomes Project 30x 0.00265; 1000 Genomes Project 0.00319.

Submissions (9):

Labcorp Genetics (formerly Invitae), Labcorp
Classification: Benign for Nephronophthisis. Last evaluated: 2026-01-20. Review status: criteria provided, single submitter. Criteria: Invitae Variant Classification Sherloc (09022015). Collection method: clinical testing. Allele origin: germline.

Mayo Clinic Laboratories, Mayo Clinic
Classification: Likely benign. Last evaluated: 2025-10-06. Review status: criteria provided, single submitter. Criteria: ACMG Guidelines, 2015. Collection method: clinical testing. Allele origin: germline. Observed: 2 variant alleles.
Comment: BS1, BP4, BP7

Blueprint Genetics
Classification: Likely benign. Last evaluated: 2024-10-02. Review status: criteria provided, single submitter. Criteria: ACMG Guidelines, 2015. Collection method: clinical testing. Allele origin: germline.

CeGaT Center for Human Genetics Tuebingen
Classification: Likely benign. Last evaluated: 2024-10-01. Review status: criteria provided, single submitter. Criteria: CeGaT Center For Human Genetics Tuebingen Variant Classification Criteria Version 2. Collection method: clinical testing. Allele origin: germline. Affected: yes. Observed: 1 variant allele.
Comment: NPHP3: BP4, BP7

Fulgent Genetics
Classification: Likely benign for Renal-hepatic-pancreatic dysplasia 1; NPHP3-related Meckel-like syndrome; Nephronophthisis 3. Last evaluated: 2021-12-05. Review status: criteria provided, single submitter. Criteria: ACMG Guidelines, 2015. Collection method: clinical testing. Allele origin: unknown.

GeneDx
Classification: Likely benign. Last evaluated: 2021-10-19. Review status: criteria provided, single submitter. Criteria: GeneDx Variant Classification Process June 2021. Collection method: clinical testing. Allele origin: germline. Affected: yes.

Eurofins Ntd Llc (ga)
Classification: Likely benign. Last evaluated: 2017-07-06. Review status: criteria provided, single submitter. Criteria: EGL Classification Definitions 2015. Collection method: clinical testing. Allele origin: germline. Observed: 7 variant alleles, 7 heterozygotes.

Genome Diagnostics Laboratory, The Hospital for Sick Children
Classification: Uncertain significance for Kidney disorder. Last evaluated: 2017-02-06. Review status: criteria provided, single submitter. Criteria: ACMG Guidelines, 2015. Collection method: clinical testing. Allele origin: germline.

PreventionGenetics, part of Exact Sciences
Classification: Benign. Review status: criteria provided, single submitter. Criteria: ACMG Guidelines, 2015. Collection method: clinical testing. Allele origin: germline.

NM_153240.5(NPHP3):c.3093A>G (p.Glu1031=)

Genes: NPHP3 (nephrocystin 3; minus strand), NPHP3-ACAD11 (NPHP3-ACAD11 readthrough (NMD candidate); minus strand). Cytogenetic location: 3q22.1.
Variant type: single nucleotide variant.
Coding change: c.3093A>G on transcript NM_153240.5 (MANE Select); coding-DNA position 3093, A replaced by G.
Protein change: p.Glu1031=; no amino-acid change (glutamic acid 1031 retained).
Molecular consequence: synonymous variant. On other transcripts: non-coding transcript variant (1).
Genome position (GRCh38, 1-based): chr3:132,688,682, T>C on the plus strand (A>G on the coding strand, the complement: NPHP3 is on the minus strand). VCF-style: chr3-132688682-T-C. GRCh37 (hg19) VCF-style: chr3-132407526-T-C.
Other names: p.Glu1031=.
Identifiers: ClinVar variation 262701 (VCV000262701.38), dbSNP rs112300370, ClinGen allele CA2621845.